The following is an entry in ClinVar:

ClinVar aggregate classification (germline): Uncertain significance. Review status: criteria provided, multiple submitters, no conflicts (2 of 4 stars). 4 submissions from 4 submitters: Uncertain significance (4). Last evaluated 2025-08-26.

Conditions:
Cardiovascular phenotype. Identifiers: MedGen CN230736.
Hereditary cancer-predisposing syndrome. Also called: Neoplastic Syndromes, Hereditary; Tumor predisposition; Hereditary neoplastic syndrome; Hereditary Cancer Syndrome. Identifiers: Orphanet 140162, MedGen C0027672, MeSH D009386, MONDO:0015356.
Neurofibromatosis, type 1 (NF1). Also called: VON RECKLINGHAUSEN DISEASE; NEUROFIBROMATOSIS, TYPE I, SOMATIC; Peripheral type neurofibromatosis; Neurofibromatosis, type I. Identifiers: Orphanet 636, MedGen C0027831, MONDO:0018975, OMIM 162200. Disease mechanism: loss of function.
Juvenile myelomonocytic leukemia (JMML). Also called: LEUKEMIA, JUVENILE MYELOMONOCYTIC, SOMATIC. Identifiers: Orphanet 86834, MedGen C0349639, MONDO:0011908, OMIM 607785, HP:0012209.
Café-au-lait macules with pulmonary stenosis (WTSN). Also called: PULMONIC STENOSIS WITH CAFE-AU-LAIT SPOTS. Identifiers: MedGen C0553586, MONDO:0008672, OMIM 193520.
Neurofibromatosis-Noonan syndrome (NFNS). Also called: NEUROFIBROMATOSIS WITH NOONAN PHENOTYPE. Identifiers: Orphanet 638, MedGen C2931482, MONDO:0011035, OMIM 601321. Disease mechanism: loss of function.
Neurofibromatosis, familial spinal (FSNF). Identifiers: Orphanet 636, MedGen C1834235, MONDO:0008078, OMIM 162210. Disease mechanism: loss of function.

Allele frequency attached by ClinVar (database versions not stated): gnomAD exomes below 0.00001; TOPMed below 0.00001; gnomAD 0.00001.
gnomAD v4.1: 3 of 1,613,802 alleles (0.00019%); highest among the groups gnomAD compares: African/African-American, 0.0013%; no homozygotes.

Submissions (4):

Labcorp Genetics (formerly Invitae), Labcorp
Classification: Uncertain significance for Neurofibromatosis, type 1. Last evaluated: 2025-08-26. Review status: criteria provided, single submitter. Criteria: Invitae Variant Classification Sherloc (09022015). Collection method: clinical testing. Allele origin: germline.
Comment: This sequence change replaces proline, which is neutral and non-polar, with serine, which is neutral and polar, at codon 2508 of the NF1 protein (p.Pro2508Ser). This variant is not present in population databases (gnomAD no frequency). This variant has not been reported in the literature in individuals affected with NF1-related conditions. ClinVar contains an entry for this variant (Variation ID: 527467). Invitae Evidence Modeling of protein sequence and biophysical properties (such as structural, functional, and spatial information, amino acid conservation, physicochemical variation, residue mobility, and thermodynamic stability) indicates that this missense variant is not expected to disrupt NF1 protein function with a negative predictive value of 95%. In summary, the available evidence is currently insufficient to determine the role of this variant in disease. Therefore, it has been classified as a Variant of Uncertain Significance.

Ambry Genetics
Classification: Uncertain significance for Cardiovascular phenotype; Hereditary cancer-predisposing syndrome. Last evaluated: 2025-07-02. Review status: criteria provided, single submitter. Criteria: Ambry Variant Classification Scheme 2023. Collection method: clinical testing. Allele origin: germline.
Comment: The p.P2508S variant (also known as c.7522C>T), located in coding exon 50 of the NF1 gene, results from a C to T substitution at nucleotide position 7522. The proline at codon 2508 is replaced by serine, an amino acid with similar properties. This amino acid position is highly conserved in available vertebrate species. In addition, the in silico prediction for this alteration is inconclusive. Based on the available evidence, the clinical significance of this variant remains unclear.

GeneDx
Classification: Uncertain significance. Last evaluated: 2023-03-07. Review status: criteria provided, single submitter. Criteria: GeneDx Variant Classification Process June 2021. Collection method: clinical testing. Allele origin: germline. Affected: yes.
Comment: Not observed at significant frequency in large population cohorts (gnomAD); In silico analysis supports that this missense variant does not alter protein structure/function; Has not been previously published as pathogenic or benign to our knowledge; This variant is associated with the following publications: (PMID: 25486365)

Fulgent Genetics
Classification: Uncertain significance for Neurofibromatosis, type 1; Neurofibromatosis, familial spinal; Café-au-lait macules with pulmonary stenosis; Neurofibromatosis-Noonan syndrome; Juvenile myelomonocytic leukemia. Last evaluated: 2021-09-11. Review status: criteria provided, single submitter. Criteria: ACMG Guidelines, 2015. Collection method: clinical testing. Allele origin: unknown.

NM_001042492.3(NF1):c.7585C>T (p.Pro2529Ser)

Gene: NF1 (neurofibromin 1; plus strand). Cytogenetic location: 17q11.2.
Variant type: single nucleotide variant.
Coding change: c.7585C>T on transcript NM_001042492.3 (MANE Select); coding-DNA position 7585, C replaced by T.
Protein change: p.Pro2529Ser; replaces proline 2529 with serine.
Molecular consequence: missense variant.
Genome position (GRCh38, 1-based): chr17:31,352,384, C>T. VCF-style: chr17-31352384-C-T. GRCh37 (hg19) VCF-style: chr17-29679402-C-T.
Other names: c.7522C>T, p.Pro2508Ser (NM_000267.4); short protein forms P2508S, P2529S.
Identifiers: ClinVar variation 527467 (VCV000527467.10), dbSNP rs1555536370, ClinGen allele CA399017793.
Genomic context (GRCh38, chr17:31,352,384, plus strand): 5'-CCAACTGTCGGCCAGACCAGTCCCCGAGCCAGGAAATCCATGAGCCTGGACATGGGGCAA[C>T]CTTCTCAGGCCAACACTAAGAAGTTGCTTGGTTAGTTTATCTAAATTATGTAGATTTTTT-3'
Protein context (NP_001035957.1, residues 2519-2539): RKSMSLDMGQ[Pro2529Ser]SQANTKKLLG